The following is an entry in ClinVar:

ClinVar aggregate classification (germline): Uncertain significance (1 of 4 stars; one submission).

Conditions:
Nephronophthisis 15 (NPHP15). Identifiers: Orphanet 3156, MedGen C3541853, MONDO:0013917, OMIM 614845.

Submission:

Labcorp Genetics (formerly Invitae), Labcorp
Classification: Uncertain significance for Nephronophthisis 15. Last evaluated: 2022-07-19. Review status: criteria provided, single submitter. Criteria: Invitae Variant Classification Sherloc (09022015). Collection method: clinical testing. Allele origin: germline.
Comment: In summary, the available evidence is currently insufficient to determine the role of this variant in disease. Therefore, it has been classified as a Variant of Uncertain Significance. Algorithms developed to predict the effect of missense changes on protein structure and function (SIFT, PolyPhen-2, Align-GVGD) all suggest that this variant is likely to be tolerated. This variant has not been reported in the literature in individuals affected with CEP164-related conditions. This variant is present in population databases (no rsID available, gnomAD 0.003%). This sequence change replaces aspartic acid, which is acidic and polar, with glycine, which is neutral and non-polar, at codon 448 of the CEP164 protein (p.Asp448Gly).

NM_014956.5(CEP164):c.1343A>G (p.Asp448Gly)

Gene: CEP164 (centrosomal protein 164; plus strand). Cytogenetic location: 11q23.3.
Variant type: single nucleotide variant.
Coding change: c.1343A>G on transcript NM_014956.5 (MANE Select); coding-DNA position 1343, A replaced by G.
Protein change: p.Asp448Gly; replaces aspartic acid 448 with glycine.
Molecular consequence: missense variant.
Genome position (GRCh38, 1-based): chr11:117,380,639, A>G. VCF-style: chr11-117380639-A-G. GRCh37 (hg19) VCF-style: chr11-117251355-A-G.
Other names: c.1343A>G, p.Asp448Gly (NM_001271933.2); short protein forms D448G.
Identifiers: ClinVar variation 2067075 (VCV002067075.4), dbSNP rs1486127167, ClinGen allele CA382741604.